The following is an entry in ClinVar:

NM_194436.3(LDHD):c.72+5C>T

Gene: LDHD (lactate dehydrogenase D; minus strand). Cytogenetic location: 16q23.1.
Variant type: single nucleotide variant.
Coding change: c.72+5C>T on transcript NM_194436.3 (MANE Select); 5 bases into the intron after coding-DNA position 72, C replaced by T.
Molecular consequence: intron variant.
Genome position (GRCh38, 1-based): chr16:75,116,644, G>A on the plus strand (C>T on the coding strand, the complement: LDHD is on the minus strand). VCF-style: chr16-75116644-G-A. GRCh37 (hg19) VCF-style: chr16-75150542-G-A.
Other names: c.72+5C>T (NM_153486.4).
Identifiers: ClinVar variation 3040166 (VCV003040166.2), dbSNP rs145496919, ClinGen allele CA8172740.

ClinVar aggregate classification (germline): Benign (0 of 4 stars; one submission).

Conditions:
LDHD-related disorder. Also called: LDHD-related condition.

Allele frequency attached by ClinVar (database versions not stated): gnomAD 0.00075; TOPMed 0.00089; 1000 Genomes Project 0.00399; 1000 Genomes Project 30x 0.00422.
gnomAD v4.1: 1,061 of 1,604,736 alleles (0.066%); highest among the groups gnomAD compares: East Asian, 2.2%; 11 homozygotes.

Submission:

PreventionGenetics, part of Exact Sciences
Classification: Benign for LDHD-related condition. Last evaluated: 2019-12-06. Review status: no assertion criteria provided. Collection method: clinical testing. Allele origin: germline.
Comment: This variant is classified as benign based on ACMG/AMP sequence variant interpretation guidelines (Richards et al. 2015 PMID: 25741868, with internal and published modifications).